The following is an entry in ClinVar:

NM_001754.5(RUNX1):c.1208_1214del (p.Tyr403fs)

Gene: RUNX1 (RUNX family transcription factor 1; minus strand). Cytogenetic location: 21q22.12.
Variant type: Deletion.
Coding change: c.1208_1214del on transcript NM_001754.5 (MANE Select); coding-DNA positions 1208 to 1214, 7 bases deleted (ACCACCT; older notation c.1208_1214delACCACCT).
Protein change: p.Tyr403fs; shifts the reading frame from tyrosine 403.
Molecular consequence: frameshift variant.
Genome position (GRCh38, 1-based): chr21:34,792,364-34,792,370, AGGTGGT deleted on the plus strand (ACCACCT on the coding strand, the reverse complement: RUNX1 is on the minus strand); deleting any 7 consecutive bases within chr21:34,792,364-34,792,373 gives the same sequence; the c. name uses the placement nearest the transcript's 3' end. VCF-style (leftmost placement, unchanged base first): chr21-34792363-CAGGTGGT-C. GRCh37 (hg19) VCF-style: chr21-36164660-CAGGTGGT-C.
Other names: NM_001754.5(RUNX1):c.1208_1214del; p.Tyr403fs; c.1127_1133del, p.Tyr376fs (NM_001001890.3); short protein forms Y376fs, Y403fs.
Identifiers: ClinVar variation 2129871 (VCV002129871.6), dbSNP rs2516819138, ClinGen allele CA2580098650.

ClinVar aggregate classification (germline): Likely pathogenic. Review status: reviewed by expert panel (3 of 4 stars). 2 submissions from 2 submitters: Likely pathogenic (1). 1 of the submissions does not count toward it. Last evaluated 2026-10-02.

Conditions:
Hereditary thrombocytopenia and hematologic cancer predisposition syndrome. Identifiers: Orphanet 71290, MedGen CN281654, MONDO:0011071.
Hereditary thrombocytopenia and hematological cancer predisposition syndrome associated with RUNX1. Also called: PLATELET DISORDER, ASPIRIN-LIKE; Familial Platelet Disorder with Propensity to Acute Myelogenous Leukemia; Familial thrombocytopenia with propensity to acute myelogenous leukemia; RUNX1 Familial Platelet Disorder with Associated Myeloid Malignancies. Identifiers: Orphanet 71290, MedGen C1832388, MeSH C563324, MONDO:0100083, OMIM 601399.

Submissions (2):

ClinGen Myeloid Malignancy Variant Curation Expert Panel
Classification: Likely pathogenic for Hereditary thrombocytopenia and hematologic cancer predisposition syndrome. Last evaluated: 2026-10-02. Review status: reviewed by expert panel. Criteria: ClinGen MyeloMalig ACMG Specifications V3.1. Collection method: curation. Allele origin: germline. Inheritance: Autosomal dominant inheritance.
Comment: NM_001754.5(RUNX1):c.1208_1214del (p.Tyr403CysfsTer?) is a frameshift variant which is not predicted to undergo NMD (PVS1_Strong). This variant is downstream of c.98 (PM5_Supporting) and is completely absent from all population databases with at least 20x coverage for RUNX1 (PM2_Supporting). In summary, this variant meets criteria to be classified as likely pathogenic. ACMG/AMP criteria applied, as specified by the Myeloid Malignancy Variant Curation Expert Panel for RUNX1: PVS1_Strong, PM5_Supporting, PM2_Supporting.

Labcorp Genetics (formerly Invitae), Labcorp
Classification: Uncertain significance for Hereditary thrombocytopenia and hematological cancer predisposition syndrome associated with RUNX1. Last evaluated: 2022-04-24. Review status: criteria provided, single submitter. Criteria: Invitae Variant Classification Sherloc (09022015). Collection method: clinical testing. Allele origin: germline. Not counted in ClinVar's aggregate classification.
Comment: In summary, the available evidence is currently insufficient to determine the role of this variant in disease. Therefore, it has been classified as a Variant of Uncertain Significance. This variant disrupts the VWRPY motif (AAs 476-480) of the RUNX1 protein, which is required for binding to the transcriptional co-repressor Transducin-like enhancer of split (PMID: 9837750, 15749889). Although this motif is required for proper regulation of some RUNX1 target genes (PMID: 15749889, 14504086), deletion of this sequence does not significantly impact hematopoietic development or viability in mice (PMID: 14504086, 10594034). Therefore, the clinical significance of disrupting this domain is uncertain. This variant has not been reported in the literature in individuals affected with RUNX1-related conditions. This variant is not present in population databases (gnomAD no frequency). This sequence change results in a frameshift in the RUNX1 gene (p.Tyr403Cysfs*189). While this is not anticipated to result in nonsense mediated decay, it is expected to disrupt the last 78 amino acid(s) of the RUNX1 protein and extend the protein by 110 additional amino acid residues.

Literature cited by the submitters: PubMed 9837750 (cited by Labcorp Genetics (formerly Invitae), Labcorp); PubMed 15749889 (cited by Labcorp Genetics (formerly Invitae), Labcorp); PubMed 14504086 (cited by Labcorp Genetics (formerly Invitae), Labcorp); PubMed 10594034 (cited by Labcorp Genetics (formerly Invitae), Labcorp).